The following is an entry in ClinVar:

ClinVar aggregate classification (germline): Benign (1 of 4 stars; one submission).

Submission:

Women's Health and Genetics/Laboratory Corporation of America, LabCorp
Classification: Benign. Last evaluated: 2024-11-29. Review status: criteria provided, single submitter. Criteria: LabCorp Variant Classification Summary - May 2015. Collection method: clinical testing. Allele origin: germline.
Comment: Variant summary: CD36 c.-18dupA is located in the untranslated mRNA region upstream of the initiation codon. Consensus agreement among computation tools predict no significant impact on normal splicing. However, these predictions have yet to be confirmed by functional studies. The variant allele was found at a frequency of 0.00046 in 251214 control chromosomes, predominantly at a frequency of 0.0058 within the East Asian subpopulation in the gnomAD database. The variant was also reported healthy Japanese individuals with an allele frequency of 0.0043 (i.e. 520 / 119880 alleles), including 2 homozygotes (in the jMorp database; PMID: 33179747). The observed variant frequency within East Asian control individuals in the gnomAD database exceeds the estimated maximal expected allele frequency for a pathogenic variant in CD36 causing CD36-Related Disorders phenotype. To our knowledge, no occurrence of c.-18dupA in individuals affected with CD36-Related Disorders and no experimental evidence demonstrating its impact on protein function have been reported. No submitters have cited clinical-significance assessments for this variant to ClinVar. Based on the evidence outlined above, the variant was classified as benign.

NM_001001548.3(CD36):c.-18dup

Gene: CD36 (CD36 molecule (CD36 blood group); plus strand). Cytogenetic location: 7q21.11.
Variant type: Duplication.
Coding change: c.-18dup on transcript NM_001001548.3 (MANE Select); 18 bases upstream of the start codon, one base duplicated (A; older notation c.-18dupA).
Molecular consequence: 5 prime UTR variant. On other transcripts: non-coding transcript variant (1), intron variant (2).
Genome position (GRCh38, 1-based): chr7:80,646,723, A duplicated. VCF-style (leftmost placement, unchanged base first): chr7-80646722-C-CA. GRCh37 (hg19) VCF-style: chr7-80276038-C-CA.
Other names: c.-18dup (NM_000072.3, NM_001001547.3, NM_001127443.2 and 8 more transcripts); c.-500dup (NM_001371081.1); c.-108-9817dup (NM_001289911.2); c.-184-14340dup (NM_001371080.1); c.-18dupA (NM_001001547.3).
Identifiers: ClinVar variation 3629510 (VCV003629510.2).